The following is an entry in ClinVar:

NM_001184900.3(CARD8):c.59G>A (p.Arg20Gln)

Gene: CARD8 (caspase recruitment domain family member 8; minus strand). Cytogenetic location: 19q13.33.
Variant type: single nucleotide variant.
Coding change: c.59G>A on transcript NM_001184900.3 (MANE Select); coding-DNA position 59, G replaced by A.
Protein change: p.Arg20Gln; replaces arginine 20 with glutamine.
Molecular consequence: missense variant. On other transcripts: 5 prime UTR variant (7), non-coding transcript variant (4).
Genome position (GRCh38, 1-based): chr19:48,240,962, C>T on the plus strand (G>A on the coding strand, the complement: CARD8 is on the minus strand). VCF-style: chr19-48240962-C-T. GRCh37 (hg19) VCF-style: chr19-48744219-C-T.
Other names: c.59G>A, p.Arg20Gln (NM_001184904.2, NM_001351782.2, NM_001351783.2 and 6 more transcripts); c.-66G>A (NM_001351784.2, NM_001351787.2, NM_001351791.2 and 2 more transcripts); c.-280G>A (NM_001351786.2); c.-144G>A (NM_001351790.2); c.-573G>A (NM_001426741.1); short protein forms R20Q.
Identifiers: ClinVar variation 3023729 (VCV003023729.3), dbSNP rs531887260, ClinGen allele CA309297660.

ClinVar aggregate classification (germline): Uncertain significance (1 of 4 stars; one submission).

Allele frequency attached by ClinVar (database versions not stated): gnomAD exomes below 0.00001; gnomAD 0.00001; 1000 Genomes Project 30x 0.00016; 1000 Genomes Project 0.00020.
gnomAD v4.1: 6 of 1,535,810 alleles (0.00039%); highest among the groups gnomAD compares: South Asian, 0.0012%; no homozygotes.

Submission:

Labcorp Genetics (formerly Invitae), Labcorp
Classification: Uncertain significance. Last evaluated: 2024-02-05. Review status: criteria provided, single submitter. Criteria: Invitae Variant Classification Sherloc (09022015). Collection method: clinical testing. Allele origin: germline.
Comment: This sequence change replaces arginine, which is basic and polar, with glutamine, which is neutral and polar, at codon 20 of the CARD8 protein (p.Arg20Gln). This variant also falls at the last nucleotide of exon 3, which is part of the consensus splice site for this exon. This variant is present in population databases (rs531887260, gnomAD 0.004%). This variant has not been reported in the literature in individuals affected with CARD8-related conditions. An algorithm developed to predict the effect of missense changes on protein structure and function (PolyPhen-2) suggests that this variant is likely to be disruptive. Variants that disrupt the consensus splice site are a relatively common cause of aberrant splicing (PMID: 17576681, 9536098). Algorithms developed to predict the effect of sequence changes on RNA splicing suggest that this variant may disrupt the consensus splice site. In summary, the available evidence is currently insufficient to determine the role of this variant in disease. Therefore, it has been classified as a Variant of Uncertain Significance.

Literature cited by the submitters: PubMed 17576681; PubMed 9536098.